The following is an entry in ClinVar:

NM_018975.4(TERF2IP):c.632G>A (p.Arg211Gln)

Gene: TERF2IP (TERF2 interacting protein; plus strand). Cytogenetic location: 16q23.1.
Variant type: single nucleotide variant.
Coding change: c.632G>A on transcript NM_018975.4 (MANE Select); coding-DNA position 632, G replaced by A.
Protein change: p.Arg211Gln; replaces arginine 211 with glutamine.
Molecular consequence: missense variant. On other transcripts: non-coding transcript variant (1).
Genome position (GRCh38, 1-based): chr16:75,648,514, G>A. VCF-style: chr16-75648514-G-A. GRCh37 (hg19) VCF-style: chr16-75682412-G-A.
Other names: short protein forms R211Q.
Identifiers: ClinVar variation 2448524 (VCV002448524.2), dbSNP rs2082320770, ClinGen allele CA396818325.

ClinVar aggregate classification (germline): Uncertain significance (1 of 4 stars; one submission).

Submission:

Ambry Genetics
Classification: Uncertain significance. Last evaluated: 2022-11-03. Review status: criteria provided, single submitter. Criteria: Ambry Variant Classification Scheme 2023. Collection method: clinical testing. Allele origin: germline.
Comment: The p.R211Q variant (also known as c.632G>A), located in coding exon 1 of the TERF2IP gene, results from a G to A substitution at nucleotide position 632. The arginine at codon 211 is replaced by glutamine, an amino acid with highly similar properties. This amino acid position is conserved. In addition, this alteration is predicted to be tolerated by in silico analysis. Since supporting evidence is limited at this time, the clinical significance of this alteration remains unclear.